The following is an entry in ClinVar:

NM_017934.7(PHIP):c.3830A>G (p.Lys1277Arg)

Genes: IRAK1BP1 (interleukin 1 receptor associated kinase 1 binding protein 1; plus strand), PHIP (PHIP subunit of CUL4-Ring ligase complex; minus strand). Cytogenetic location: 6q14.1.
Variant type: single nucleotide variant.
Coding change: c.3830A>G on transcript NM_017934.7 (MANE Select); coding-DNA position 3830, A replaced by G.
Protein change: p.Lys1277Arg; replaces lysine 1277 with arginine.
Molecular consequence: missense variant.
Genome position (GRCh38, 1-based): chr6:78,955,635, T>C on the plus strand (A>G on the coding strand, the complement: PHIP is on the minus strand). VCF-style: chr6-78955635-T-C. GRCh37 (hg19) VCF-style: chr6-79665352-T-C.
Other names: short protein forms K1277R.
Identifiers: ClinVar variation 4884980 (VCV004884980.2).
Genomic context (GRCh38, chr6:78,955,635, plus strand): 5'-GAATATCAATATGGTAATAATAATGAAATATTACATACCTCAGAATCAGACAAAACTTTC[T>C]TCTTCATTGAATTATAAAGTGGAATTATGTTATAACAAGTCTGATCCCTACATAACAAGG-3'
Protein context (NP_060404.4, residues 1267-1287): NIIPLYNSMK[Lys1277Arg]KVLSDSEDEE

ClinVar aggregate classification (germline): Uncertain significance (1 of 4 stars; one submission).

Submission:

Dasa
Classification: Uncertain significance. Last evaluated: 2024-12-06. Review status: criteria provided, single submitter. Criteria: DASA Assertion Criteria. Collection method: clinical testing. Allele origin: germline.
Comment: NM_017934.7(PHIP):c.3830A>G (p.Lys1277Arg) is a missense variant that results in the substitution of lysine with arginine. This variant is rare in population databases. Computational prediction algorithms are consistent with a benign effect. The currently available literature and clinical evidence are not sufficient to establish a definitive association between this variant and the reported condition. Therefore, this variant is classified as a variant of uncertain significance.